The following is an entry in ClinVar:

NM_000447.3(PSEN2):c.886+2_886+4del

Gene: PSEN2 (presenilin 2; plus strand). Cytogenetic location: 1q42.13.
Variant type: Deletion.
Coding change: c.886+2_886+4del on transcript NM_000447.3 (MANE Select); the canonical splice donor site of the intron after coding-DNA position 886 through 4 bases into the intron after coding-DNA position 886, 3 bases deleted (TGA; older notation c.886+2_886+4delTGA).
Molecular consequence: splice donor variant.
Genome position (GRCh38, 1-based): chr1:226,890,135-226,890,137, TGA deleted. VCF-style (leftmost placement, unchanged base first): chr1-226890134-GTGA-G. GRCh37 (hg19) VCF-style: chr1-227077835-GTGA-G.
Other names: c.886+2_886+4del (NM_012486.3).
Identifiers: ClinVar variation 465218 (VCV000465218.7), dbSNP rs1553268799, ClinGen allele CA658655636.

ClinVar aggregate classification (germline): Likely pathogenic (1 of 4 stars; one submission).

Conditions:
Alzheimer disease 4 (AD4). Identifiers: Orphanet 1020, MedGen C1847200, MONDO:0011743, OMIM 606889.

Submission:

Labcorp Genetics (formerly Invitae), Labcorp
Classification: Likely pathogenic for Alzheimer disease 4. Last evaluated: 2017-09-01. Review status: criteria provided, single submitter. Criteria: Invitae Variant Classification Sherloc (09022015). Collection method: clinical testing. Allele origin: germline.
Comment: In summary, the currently available evidence indicates that the variant is pathogenic, but additional data are needed to prove that conclusively. Therefore, this variant has been classified as Likely Pathogenic. Donor and acceptor splice site variants typically lead to a loss of protein function (PMID: 16199547), and loss-of-function variants in PSEN2 are known to be pathogenic (PMID: 18834536, 20375137, 24704512). This variant has not been reported in the literature in individuals with PSEN2-related disease. This variant is not present in population databases (ExAC no frequency). This sequence change affects a donor splice site in intron 9 of the PSEN2 gene. It is expected to disrupt RNA splicing and likely results in an absent or disrupted protein product.

Literature cited by the submitters: PubMed 16199547; PubMed 18834536; PubMed 20375137; PubMed 24704512.